The following is an entry in ClinVar:

ClinVar aggregate classification (germline): Uncertain significance (1 of 4 stars; one submission).

Submission:

CeGaT Center for Human Genetics Tuebingen
Classification: Uncertain significance. Last evaluated: 2024-06-01. Review status: criteria provided, single submitter. Criteria: CeGaT Center For Human Genetics Tuebingen Variant Classification Criteria Version 2. Collection method: clinical testing. Allele origin: germline. Affected: yes. Observed: 1 variant allele.
Comment: ACTA2: PM2, PP2, PP3

NM_001613.4(ACTA2):c.475G>C (p.Asp159His)

Gene: ACTA2 (actin alpha 2, smooth muscle; minus strand). Cytogenetic location: 10q23.31.
Variant type: single nucleotide variant.
Coding change: c.475G>C on transcript NM_001613.4 (MANE Select); coding-DNA position 475, G replaced by C.
Protein change: p.Asp159His; replaces aspartic acid 159 with histidine.
Molecular consequence: missense variant.
Genome position (GRCh38, 1-based): chr10:88,941,370, C>G on the plus strand (G>C on the coding strand, the complement: ACTA2 is on the minus strand). VCF-style: chr10-88941370-C-G. GRCh37 (hg19) VCF-style: chr10-90701127-C-G.
Other names: c.475G>C, p.Asp159His (NM_001141945.3, NM_001320855.2, NM_001406462.1 and 3 more transcripts); c.364G>C, p.Asp122His (NM_001406466.1); c.346G>C, p.Asp116His (NM_001406467.1, NM_001406468.1, NM_001406469.1); short protein forms D116H, D122H, D159H.
Identifiers: ClinVar variation 3251167 (VCV003251167.18), dbSNP rs2494538773.
Genomic context (GRCh38, chr10:88,941,370, plus strand): 5'-GCATGATGGCATGGGGCAAGGCATAGCCCTCATAGATGGGGACATTGTGGGTGACACCAT[C>G]TCCAGAGTCCAGCACGATGCCTGGGAGACAATTGGGCGTGATAAGTCACCATGGCAGCTG-3'
Protein context (NP_001604.1, residues 149-169): RTTGIVLDSG[Asp159His]GVTHNVPIYE